The following is an entry in ClinVar:

ClinVar aggregate classification (germline): Uncertain significance (1 of 4 stars; one submission).

Conditions:
NRP2-related disorder. Also called: NRP2-related condition.

gnomAD v4.1: 3 of 1,614,044 alleles (0.00019%); highest among the groups gnomAD compares: Non-Finnish European, 0.00025%; no homozygotes.

Submission:

PreventionGenetics, part of Exact Sciences
Classification: Uncertain significance for NRP2-related condition. Last evaluated: 2026-04-06. Review status: criteria provided, single submitter. Criteria: ACMG Guidelines, 2015. Collection method: clinical testing. Allele origin: germline.
Comment: The NRP2 c.89G>A variant is predicted to result in the amino acid substitution p.Gly30Asp. To our knowledge, this variant has not been reported in the literature. This variant is reported in 0.00088% of alleles in individuals of European (Non-Finnish) descent in gnomAD. At this time, the clinical significance of this variant is uncertain due to the absence of conclusive functional and genetic evidence.

NM_003872.3(NRP2):c.89G>A (p.Gly30Asp)

Gene: NRP2 (neuropilin 2; plus strand). Cytogenetic location: 2q33.3.
Variant type: single nucleotide variant.
Coding change: c.89G>A on transcript NM_003872.3 (MANE Select); coding-DNA position 89, G replaced by A.
Protein change: p.Gly30Asp; replaces glycine 30 with aspartic acid.
Molecular consequence: missense variant.
Genome position (GRCh38, 1-based): chr2:205,697,559, G>A. VCF-style: chr2-205697559-G-A. GRCh37 (hg19) VCF-style: chr2-206562283-G-A.
Other names: c.89G>A, p.Gly30Asp (NM_018534.4, NM_201264.2, NM_201266.2 and 2 more transcripts); short protein forms G30D.
Identifiers: ClinVar variation 4988237 (VCV004988237.1).